The following is an entry in ClinVar:

NM_000138.5(FBN1):c.5788+1G>T

Gene: FBN1 (fibrillin 1; minus strand). Cytogenetic location: 15q21.1.
Variant type: single nucleotide variant.
Coding change: c.5788+1G>T on transcript NM_000138.5 (MANE Select); the canonical splice donor site of the intron after coding-DNA position 5788, G replaced by T.
Molecular consequence: splice donor variant.
Genome position (GRCh38, 1-based): chr15:48,446,705, C>A on the plus strand (G>T on the coding strand, the complement: FBN1 is on the minus strand). VCF-style: chr15-48446705-C-A. GRCh37 (hg19) VCF-style: chr15-48738902-C-A.
Other names: c.5788+1G>T (NM_001406716.1).
Identifiers: ClinVar variation 549304 (VCV000549304.4), dbSNP rs1555395819, ClinGen allele CA392340993.

ClinVar aggregate classification (germline): Pathogenic/Likely pathogenic. Review status: criteria provided, multiple submitters, no conflicts (2 of 4 stars). 3 submissions from 3 submitters: Pathogenic (1); Likely pathogenic (1). 1 of the submissions does not count toward it. Last evaluated 2025-07-10.

Conditions:
Familial thoracic aortic aneurysm and aortic dissection (TAAD). Also called: Thoracic aortic aneurysms and dissections. Identifiers: Orphanet 91387, MedGen C4707243, MONDO:0019625.
Marfan syndrome (MFS). Also called: Marfan syndrome type 1; Marfan syndrome, classic; Marfan's syndrome; FBN1-Related Marfan Syndrome; MARFAN SYNDROME, TYPE I. Identifiers: Orphanet 284963, Orphanet 558, MedGen C0024796, MONDO:0007947, OMIM 154700.

Submissions (3):

Color Diagnostics, LLC DBA Color Health
Classification: Likely pathogenic for Familial thoracic aortic aneurysm and aortic dissection. Last evaluated: 2025-07-10. Review status: criteria provided, single submitter. Criteria: ACMG Guidelines, 2015. Collection method: clinical testing. Allele origin: germline.
Comment: This variant causes a G to T nucleotide substitution at the +1 position of intron 47 of the FBN1 gene. Splice site prediction tools suggest that this variant may have a significant impact on RNA splicing. Although this prediction has not been confirmed in published RNA studies, this variant is expected to result in an absent or disrupted protein product. This variant has been reported in individuals affected with Marfan syndrome (PMID: 19293843, 29357934). This variant has not been identified in the general population by the Genome Aggregation Database (gnomAD). A different variant affecting the same splice donor site, c.5788+1G>A, is known to be disease-causing (ClinVar variation ID: 16456), and functional RNA studies have shown that this variant produces a mutant transcript containing a 33 base pair insertion that includes two cysteine residues (PMID: 11702223). Loss of FBN1 function is a known mechanism of disease. Based on the available evidence, this variant is classified as Likely Pathogenic.

GeneDx
Classification: Pathogenic. Last evaluated: 2021-07-28. Review status: criteria provided, single submitter. Criteria: GeneDx Variant Classification Process June 2021. Collection method: clinical testing. Allele origin: germline. Affected: yes.
Comment: Not observed at significant frequency in large population cohorts (Lek et al., 2016); Canonical splice site variant expected to result in aberrant splicing, although in the absence of functional evidence the actual effect of this sequence change is unknown.; This variant is associated with the following publications: (PMID: 19293843, 29357934, 16476890, 25525159)

Center for Medical Genetics Ghent, University of Ghent
Classification: Likely pathogenic for Marfan syndrome. Last evaluated: 2017-11-07. Review status: no assertion criteria provided. Collection method: clinical testing. Allele origin: germline. Affected: yes. Not counted in ClinVar's aggregate classification.

Literature cited by the submitters: PubMed 11702223 (cited by Color Diagnostics, LLC DBA Color Health); PubMed 19293843 (cited by Color Diagnostics, LLC DBA Color Health); PubMed 29357934 (cited by Color Diagnostics, LLC DBA Color Health).